The following is an entry in ClinVar:

ClinVar aggregate classification (germline): Uncertain significance (1 of 4 stars; one submission).

Submission:

GeneDx
Classification: Uncertain significance. Last evaluated: 2022-01-31. Review status: criteria provided, single submitter. Criteria: GeneDx Variant Classification Process June 2021. Collection method: clinical testing. Allele origin: germline. Affected: yes.
Comment: Not observed at significant frequency in large population cohorts (gnomAD); In silico analysis supports that this missense variant does not alter protein structure/function; Has not been previously published as pathogenic or benign to our knowledge

NM_138927.4(SON):c.6657+112A>G

Gene: SON (SON DNA and RNA binding protein; plus strand). Cytogenetic location: 21q22.11.
Variant type: single nucleotide variant.
Coding change: c.6657+112A>G on transcript NM_138927.4 (MANE Select); 112 bases into the intron after coding-DNA position 6657, A replaced by G.
Molecular consequence: intron variant. On other transcripts: missense variant (1).
Genome position (GRCh38, 1-based): chr21:33,559,887, A>G. VCF-style: chr21-33559887-A-G. GRCh37 (hg19) VCF-style: chr21-34932193-A-G.
Other names: c.6668A>G, p.Lys2223Arg (NM_032195.3); c.741+112A>G (NM_001291412.3); short protein forms K2223R.
Identifiers: ClinVar variation 1699636 (VCV001699636.2), dbSNP rs2145851887, ClinGen allele CA410119494.